The following is an entry in ClinVar:

NM_020066.5(FMN2):c.1014C>G (p.Pro338=)

Gene: FMN2 (formin 2; plus strand). Cytogenetic location: 1q43.
Variant type: single nucleotide variant.
Coding change: c.1014C>G on transcript NM_020066.5 (MANE Select); coding-DNA position 1014, C replaced by G.
Protein change: p.Pro338=; no amino-acid change (proline 338 retained).
Molecular consequence: synonymous variant.
Genome position (GRCh38, 1-based): chr1:240,093,123, C>G. VCF-style: chr1-240093123-C-G. GRCh37 (hg19) VCF-style: chr1-240256423-C-G.
Other names: c.1014C>G, p.Pro338= (NM_001305424.2, NM_001348094.2).
Identifiers: ClinVar variation 3898314 (VCV003898314.7).

ClinVar aggregate classification (germline): Likely benign (1 of 4 stars; one submission).

gnomAD v4.1: 118 of 1,399,280 alleles (0.0084%); highest among the groups gnomAD compares: African/African-American, 0.17%; 1 homozygote.

Submission:

CeGaT Center for Human Genetics Tuebingen
Classification: Likely benign. Last evaluated: 2025-04-01. Review status: criteria provided, single submitter. Criteria: CeGaT Center For Human Genetics Tuebingen Variant Classification Criteria Version 2. Collection method: clinical testing. Allele origin: germline. Affected: yes. Observed: 1 variant allele.
Comment: FMN2: BP4, BP7